The following is an entry in ClinVar:

ClinVar aggregate classification (germline): Uncertain significance. Review status: criteria provided, multiple submitters, no conflicts (2 of 4 stars). 3 submissions from 3 submitters: Uncertain significance (3). Last evaluated 2022-06-08.

Conditions:
Hereditary spastic paraplegia 8 (SPG8). Also called: SPASTIC PARAPLEGIA 8, AUTOSOMAL DOMINANT. Identifiers: Orphanet 100989, MedGen C1863704, MONDO:0011339, OMIM 603563.
Ritscher-Schinzel syndrome. Also called: CRANIOCEREBELLOCARDIAC DYSPLASIA. Identifiers: Orphanet 7, MedGen C0796137, MONDO:0019078.
Hereditary spastic paraplegia. Also called: Familial spastic paraparesis. Identifiers: Orphanet 685, MedGen C0037773, MONDO:0019064. Disease mechanism: loss of function.

Submissions (3):

Labcorp Genetics (formerly Invitae), Labcorp
Classification: Uncertain significance for Ritscher-Schinzel syndrome; Hereditary spastic paraplegia 8. Last evaluated: 2022-06-08. Review status: criteria provided, single submitter. Criteria: Invitae Variant Classification Sherloc (09022015). Collection method: clinical testing. Allele origin: germline.
Comment: This variant has not been reported in the literature in individuals affected with WASHC5-related conditions. ClinVar contains an entry for this variant (Variation ID: 810309). Algorithms developed to predict the effect of missense changes on protein structure and function are either unavailable or do not agree on the potential impact of this missense change (SIFT: "Deleterious"; PolyPhen-2: "Probably Damaging"; Align-GVGD: "Class C0"). In summary, the available evidence is currently insufficient to determine the role of this variant in disease. Therefore, it has been classified as a Variant of Uncertain Significance. This variant is not present in population databases (gnomAD no frequency). This sequence change replaces proline, which is neutral and non-polar, with leucine, which is neutral and non-polar, at codon 631 of the WASHC5 protein (p.Pro631Leu).

Genome Diagnostics Laboratory, The Hospital for Sick Children
Classification: Uncertain significance for Hereditary spastic paraplegia. Last evaluated: 2016-12-12. Review status: criteria provided, single submitter. Criteria: ACMG Guidelines, 2015. Collection method: clinical testing. Allele origin: germline. Affected: yes.

CeGaT Center for Human Genetics Tuebingen
Classification: Uncertain significance. Last evaluated: 2016-05-01. Review status: criteria provided, single submitter. Criteria: CeGaT Center For Human Genetics Tuebingen Variant Classification Criteria Version 2. Collection method: clinical testing. Allele origin: germline. Affected: yes. Observed: 1 variant allele.

NM_014846.4(WASHC5):c.1892C>T (p.Pro631Leu)

Gene: WASHC5 (WASH complex subunit 5; minus strand). Cytogenetic location: 8q24.13.
Variant type: single nucleotide variant.
Coding change: c.1892C>T on transcript NM_014846.4 (MANE Select); coding-DNA position 1892, C replaced by T.
Protein change: p.Pro631Leu; replaces proline 631 with leucine.
Molecular consequence: missense variant.
Genome position (GRCh38, 1-based): chr8:125,056,801, G>A on the plus strand (C>T on the coding strand, the complement: WASHC5 is on the minus strand). VCF-style: chr8-125056801-G-A. GRCh37 (hg19) VCF-style: chr8-126069043-G-A.
Other names: c.1448C>T, p.Pro483Leu (NM_001330609.2); short protein forms P483L, P631L.
Identifiers: ClinVar variation 810309 (VCV000810309.52), dbSNP rs1586359734, ClinGen allele CA372191183.